The following is an entry in ClinVar:

ClinVar aggregate classification (germline): Uncertain significance (1 of 4 stars; one submission).

Submission:

GeneDx
Classification: Uncertain significance. Last evaluated: 2022-03-27. Review status: criteria provided, single submitter. Criteria: GeneDx Variant Classification Process June 2021. Collection method: clinical testing. Allele origin: germline. Affected: yes.
Comment: Not observed at significant frequency in large population cohorts (gnomAD); In silico analysis supports that this missense variant does not alter protein structure/function; Has not been previously published as pathogenic or benign to our knowledge

NM_006922.4(SCN3A):c.1560A>T (p.Arg520Ser)

Gene: SCN3A (sodium voltage-gated channel alpha subunit 3; minus strand). Cytogenetic location: 2q24.3.
Variant type: single nucleotide variant.
Coding change: c.1560A>T on transcript NM_006922.4 (MANE Select); coding-DNA position 1560, A replaced by T.
Protein change: p.Arg520Ser; replaces arginine 520 with serine.
Molecular consequence: missense variant.
Genome position (GRCh38, 1-based): chr2:165,146,850, T>A on the plus strand (A>T on the coding strand, the complement: SCN3A is on the minus strand). VCF-style: chr2-165146850-T-A. GRCh37 (hg19) VCF-style: chr2-166003360-T-A.
Other names: c.1560A>T, p.Arg520Ser (NM_001081676.2, NM_001081677.2); short protein forms R520S.
Identifiers: ClinVar variation 1712059 (VCV001712059.2), dbSNP rs2468362489, ClinGen allele CA349236487.